The following is an entry in ClinVar:

ClinVar aggregate classification (germline): Uncertain significance (1 of 4 stars; one submission).

Submission:

Labcorp Genetics (formerly Invitae), Labcorp
Classification: Uncertain significance. Last evaluated: 2025-02-16. Review status: criteria provided, single submitter. Criteria: Invitae Variant Classification Sherloc (09022015). Collection method: clinical testing. Allele origin: germline.
Comment: This sequence change replaces valine, which is neutral and non-polar, with isoleucine, which is neutral and non-polar, at codon 987 of the KLB protein (p.Val987Ile). This variant is present in population databases (rs562134552, gnomAD 0.07%), and has an allele count higher than expected for a pathogenic variant. This variant has not been reported in the literature in individuals affected with KLB-related conditions. Invitae Evidence Modeling of protein sequence and biophysical properties (such as structural, functional, and spatial information, amino acid conservation, physicochemical variation, residue mobility, and thermodynamic stability) indicates that this missense variant is not expected to disrupt KLB protein function with a negative predictive value of 80%. In summary, the available evidence is currently insufficient to determine the role of this variant in disease. Therefore, it has been classified as a Variant of Uncertain Significance.

NM_175737.4(KLB):c.2959G>A (p.Val987Ile)

Gene: KLB (klotho beta; plus strand). Cytogenetic location: 4p14.
Variant type: single nucleotide variant.
Coding change: c.2959G>A on transcript NM_175737.4 (MANE Select); coding-DNA position 2959, G replaced by A.
Protein change: p.Val987Ile; replaces valine 987 with isoleucine.
Molecular consequence: missense variant.
Genome position (GRCh38, 1-based): chr4:39,448,510, G>A. VCF-style: chr4-39448510-G-A. GRCh37 (hg19) VCF-style: chr4-39450130-G-A.
Other names: short protein forms V987I.
Identifiers: ClinVar variation 4745638 (VCV004745638.1).